The following is an entry in ClinVar:

NM_198253.3(TERT):c.1357C>T (p.Arg453Cys)

Gene: TERT (telomerase reverse transcriptase; minus strand). Cytogenetic location: 5p15.33.
Variant type: single nucleotide variant.
Coding change: c.1357C>T on transcript NM_198253.3 (MANE Select); coding-DNA position 1357, C replaced by T.
Protein change: p.Arg453Cys; replaces arginine 453 with cysteine.
Molecular consequence: missense variant. On other transcripts: non-coding transcript variant (2).
Genome position (GRCh38, 1-based): chr5:1,293,529, G>A on the plus strand (C>T on the coding strand, the complement: TERT is on the minus strand). VCF-style: chr5-1293529-G-A. GRCh37 (hg19) VCF-style: chr5-1293644-G-A.
Other names: c.1357C>T, p.Arg453Cys (NM_001193376.3, NM_003219.1); short protein forms R453C.
Identifiers: ClinVar variation 2061444 (VCV002061444.4), dbSNP rs1392433076, ClinGen allele CA359086037.

ClinVar aggregate classification (germline): Uncertain significance (1 of 4 stars; one submission).

Conditions:
Idiopathic Pulmonary Fibrosis. Also called: Idiopathic fibrosing alveolitis, chronic form; idiopathic fibrosing alveolitis. Identifiers: Orphanet 2032, MedGen C1800706, MeSH D054990, MONDO:0800504.
Dyskeratosis congenita, autosomal dominant 2. Identifiers: MedGen C3151443, MONDO:0013521, OMIM 613989.

Allele frequency attached by ClinVar (database versions not stated): gnomAD exomes below 0.00001.
gnomAD v4.1: 2 of 1,559,234 alleles (0.00013%); highest among the groups gnomAD compares: African/African-American, 0.0014%; no homozygotes.

Submission:

Labcorp Genetics (formerly Invitae), Labcorp
Classification: Uncertain significance for Dyskeratosis congenita, autosomal dominant 2; Idiopathic Pulmonary Fibrosis. Last evaluated: 2022-09-27. Review status: criteria provided, single submitter. Criteria: Invitae Variant Classification Sherloc (09022015). Collection method: clinical testing. Allele origin: germline.
Comment: This variant is not present in population databases (gnomAD no frequency). This variant has not been reported in the literature in individuals affected with TERT-related conditions. Advanced modeling of protein sequence and biophysical properties (such as structural, functional, and spatial information, amino acid conservation, physicochemical variation, residue mobility, and thermodynamic stability) performed at Invitae indicates that this missense variant is expected to disrupt TERT protein function. In summary, the available evidence is currently insufficient to determine the role of this variant in disease. Therefore, it has been classified as a Variant of Uncertain Significance. This sequence change replaces arginine, which is basic and polar, with cysteine, which is neutral and slightly polar, at codon 453 of the TERT protein (p.Arg453Cys).